The following is an entry in ClinVar:

NM_033305.3(VPS13A):c.3606A>G (p.Gln1202=)

Gene: VPS13A (vacuolar protein sorting 13 homolog A; plus strand). Cytogenetic location: 9q21.2.
Variant type: single nucleotide variant.
Coding change: c.3606A>G on transcript NM_033305.3 (MANE Select); coding-DNA position 3606, A replaced by G.
Protein change: p.Gln1202=; no amino-acid change (glutamine 1202 retained).
Molecular consequence: synonymous variant.
Genome position (GRCh38, 1-based): chr9:77,295,640, A>G. VCF-style: chr9-77295640-A-G. GRCh37 (hg19) VCF-style: chr9-79910556-A-G.
Other names: c.3606A>G (NM_033305.2); c.3489A>G, p.Gln1163= (NM_001018037.2); c.3606A>G, p.Gln1202= (NM_001018038.3, NM_015186.4).
Identifiers: ClinVar variation 1103910 (VCV001103910.12), dbSNP rs370572663, ClinGen allele CA5092303.

ClinVar aggregate classification (germline): Likely benign. Review status: criteria provided, multiple submitters, no conflicts (2 of 4 stars). 3 submissions from 3 submitters: Likely benign (2). 1 of the submissions does not count toward it. Last evaluated 2026-08-01.

Conditions:
VPS13A-related disorder. Also called: VPS13A-related condition.

Allele frequency attached by ClinVar (database versions not stated): gnomAD exomes 0.00002 and 0.00006; ExAC 0.00003; gnomAD 0.00003; TOPMed 0.00005; ESP Exome Variant Server 0.00015.

Submissions (3):

CeGaT Center for Human Genetics Tuebingen
Classification: Likely benign. Last evaluated: 2026-08-01. Review status: criteria provided, single submitter. Criteria: CeGaT Center For Human Genetics Tuebingen Variant Classification Criteria Version 2. Collection method: clinical testing. Allele origin: germline. Affected: yes. Observed: 1 variant allele.
Comment: VPS13A: BP4, BP7

Labcorp Genetics (formerly Invitae), Labcorp
Classification: Likely benign. Last evaluated: 2026-01-26. Review status: criteria provided, single submitter. Criteria: Invitae Variant Classification Sherloc (09022015). Collection method: clinical testing. Allele origin: germline.

PreventionGenetics, part of Exact Sciences
Classification: Likely benign for VPS13A-related condition. Last evaluated: 2019-03-20. Review status: no assertion criteria provided. Collection method: clinical testing. Allele origin: germline. Not counted in ClinVar's aggregate classification.
Comment: This variant is classified as likely benign based on ACMG/AMP sequence variant interpretation guidelines (Richards et al. 2015 PMID: 25741868, with internal and published modifications).